The following is an entry in ClinVar:

ClinVar aggregate classification (germline): Uncertain significance. Review status: criteria provided, multiple submitters, no conflicts (2 of 4 stars). 2 submissions from 2 submitters: Uncertain significance (2). Last evaluated 2025-01-16.

Allele frequency attached by ClinVar (database versions not stated): gnomAD 0.00003; TOPMed 0.00003; ExAC 0.00007; ESP Exome Variant Server 0.00008; gnomAD exomes 0.00008.
gnomAD v4.1: 120 of 1,613,566 alleles (0.0074%); highest among the groups gnomAD compares: Non-Finnish European, 0.01%; no homozygotes.

Submissions (2):

Ambry Genetics
Classification: Uncertain significance. Last evaluated: 2025-01-16. Review status: criteria provided, single submitter. Criteria: Ambry Variant Classification Scheme 2023. Collection method: clinical testing. Allele origin: germline.

Labcorp Genetics (formerly Invitae), Labcorp
Classification: Uncertain significance. Last evaluated: 2022-08-22. Review status: criteria provided, single submitter. Criteria: Invitae Variant Classification Sherloc (09022015). Collection method: clinical testing. Allele origin: germline.
Comment: This sequence change replaces leucine, which is neutral and non-polar, with methionine, which is neutral and non-polar, at codon 447 of the VPS33A protein (p.Leu447Met). This variant is present in population databases (rs371402962, gnomAD 0.01%). This variant has not been reported in the literature in individuals affected with VPS33A-related conditions. Algorithms developed to predict the effect of missense changes on protein structure and function are either unavailable or do not agree on the potential impact of this missense change (SIFT: "Tolerated"; PolyPhen-2: "Probably Damaging"; Align-GVGD: "Class C0"). In summary, the available evidence is currently insufficient to determine the role of this variant in disease. Therefore, it has been classified as a Variant of Uncertain Significance.

NM_022916.6(VPS33A):c.1339C>A (p.Leu447Met)

Gene: VPS33A (VPS33A core subunit of CORVET and HOPS complexes; minus strand). Cytogenetic location: 12q24.31.
Variant type: single nucleotide variant.
Coding change: c.1339C>A on transcript NM_022916.6 (MANE Select); coding-DNA position 1339, C replaced by A.
Protein change: p.Leu447Met; replaces leucine 447 with methionine.
Molecular consequence: missense variant.
Genome position (GRCh38, 1-based): chr12:122,235,887, G>T on the plus strand (C>A on the coding strand, the complement: VPS33A is on the minus strand). VCF-style: chr12-122235887-G-T. GRCh37 (hg19) VCF-style: chr12-122720434-G-T.
Other names: c.1306C>A, p.Leu436Met (NM_001351018.2); c.1291C>A, p.Leu431Met (NM_001351019.2); c.1018C>A, p.Leu340Met (NM_001351020.2); c.1339C>A (NM_022916.4); short protein forms L436M, L447M, L340M, L431M.
Identifiers: ClinVar variation 1979727 (VCV001979727.3), dbSNP rs371402962, ClinGen allele CA6844347.